The following is an entry in ClinVar:

NM_017837.4(PIGV):c.5G>C (p.Trp2Ser)

Gene: PIGV (phosphatidylinositol glycan anchor biosynthesis class V; plus strand). Cytogenetic location: 1p36.11.
Variant type: single nucleotide variant.
Coding change: c.5G>C on transcript NM_017837.4 (MANE Select); coding-DNA position 5, G replaced by C.
Protein change: p.Trp2Ser; replaces tryptophan 2 with serine.
Molecular consequence: missense variant. On other transcripts: non-coding transcript variant (2), intron variant (1).
Genome position (GRCh38, 1-based): chr1:26,790,820, G>C. VCF-style: chr1-26790820-G-C. GRCh37 (hg19) VCF-style: chr1-27117311-G-C.
Other names: c.5G>C, p.Trp2Ser (NM_001202554.2, NM_001374478.1, NM_001374480.1 and 5 more transcripts); c.-304+3014G>C (NM_001374483.1); short protein forms W2S.
Identifiers: ClinVar variation 393109 (VCV000393109.11), dbSNP rs768302053, ClinGen allele CA707962.
Genomic context (GRCh38, chr1:26,790,820, plus strand): 5'-GGCCTGAGGGAGCTCAATCCTGGTAGCAACACCCCTGAATTCCTGGTGGTGAAAGGATGT[G>C]GCCCCAGGACCCATCCCGGAAGGAGGTGCTGAGGTTTGCAGTCAGCTGCCGTATCCTGAC-3'
Protein context (NP_060307.2, residues 1-12): M[Trp2Ser]PQDPSRKEVL

ClinVar aggregate classification (germline): Uncertain significance. Review status: criteria provided, multiple submitters, no conflicts (2 of 4 stars). 4 submissions from 4 submitters: Uncertain significance (4). Last evaluated 2025-02-17.

Conditions:
Inborn genetic diseases. Identifiers: MedGen C0950123, MeSH D030342.

Allele frequency attached by ClinVar (database versions not stated): TOPMed below 0.00001; ExAC 0.00002; gnomAD exomes 0.00002.
gnomAD v4.1: 6 of 1,613,862 alleles (0.00037%); highest among the groups gnomAD compares: Admixed American, 0.01%; no homozygotes.

Submissions (4):

Labcorp Genetics (formerly Invitae), Labcorp
Classification: Uncertain significance. Last evaluated: 2025-02-17. Review status: criteria provided, single submitter. Criteria: Invitae Variant Classification Sherloc (09022015). Collection method: clinical testing. Allele origin: germline.
Comment: This sequence change replaces tryptophan, which is neutral and slightly polar, with serine, which is neutral and polar, at codon 2 of the PIGV protein (p.Trp2Ser). This variant is present in population databases (rs768302053, gnomAD 0.02%). This variant has not been reported in the literature in individuals affected with PIGV-related conditions. ClinVar contains an entry for this variant (Variation ID: 393109). Invitae Evidence Modeling of protein sequence and biophysical properties (such as structural, functional, and spatial information, amino acid conservation, physicochemical variation, residue mobility, and thermodynamic stability) indicates that this missense variant is not expected to disrupt PIGV protein function with a negative predictive value of 95%. In summary, the available evidence is currently insufficient to determine the role of this variant in disease. Therefore, it has been classified as a Variant of Uncertain Significance.

Ambry Genetics
Classification: Uncertain significance for Inborn genetic diseases. Last evaluated: 2024-01-03. Review status: criteria provided, single submitter. Criteria: Ambry Variant Classification Scheme 2023. Collection method: clinical testing. Allele origin: germline.

GeneDx
Classification: Uncertain significance. Last evaluated: 2017-01-27. Review status: criteria provided, single submitter. Criteria: GeneDx Variant Classification (06012015). Collection method: clinical testing. Allele origin: germline. Affected: yes.
Comment: A variant of uncertain significance has been identified in the PIGV gene. The W2S variant has not been published as a pathogenic variant, nor has it been reported as a benign variant to our knowledge. The W2S variant is not observed at a significant frequency in large population cohorts (Lek et al., 2016; 1000 Genomes Consortium et al., 2015; Exome Variant Server). The W2S variant is a non-conservative amino acid substitution, which is likely to impact secondary protein structure as these residues differ in polarity, charge, size and/or other properties. However, this substitution occurs at a position that is not conserved. In silico analysis is inconsistent in its predictions as to whether or not the variant is damaging to the protein structure/function. Therefore, based on the currently available information, it is unclear whether this variant is a pathogenic variant or a rare benign variant.

Eurofins Ntd Llc (ga)
Classification: Uncertain significance. Last evaluated: 2017-01-11. Review status: criteria provided, single submitter. Criteria: EGL Classification Definitions 2015. Collection method: clinical testing. Allele origin: germline. Observed: 1 variant allele, 1 heterozygote.